The following is an entry in ClinVar:

ClinVar aggregate classification (germline): Uncertain significance (1 of 4 stars; one submission).

Allele frequency attached by ClinVar (database versions not stated): gnomAD exomes below 0.00001; TOPMed below 0.00001.
gnomAD v4.1: 1 of 1,614,054 alleles (0.000062%); highest among the groups gnomAD compares: Non-Finnish European, 0.000085%; no homozygotes.

Submission:

GeneDx
Classification: Uncertain significance. Last evaluated: 2019-10-28. Review status: criteria provided, single submitter. Criteria: GeneDx Variant Classification Process June 2021. Collection method: clinical testing. Allele origin: germline. Affected: yes.
Comment: Not observed in large population cohorts (Lek et al., 2016); In silico analysis, which includes protein predictors and evolutionary conservation, supports a deleterious effect; Has not been previously published as pathogenic or benign to our knowledge

NM_015335.5(MED13L):c.6539C>T (p.Thr2180Met)

Gene: MED13L (mediator complex subunit 13L; minus strand). Cytogenetic location: 12q24.21.
Variant type: single nucleotide variant.
Coding change: c.6539C>T on transcript NM_015335.5 (MANE Select); coding-DNA position 6539, C replaced by T.
Protein change: p.Thr2180Met; replaces threonine 2180 with methionine.
Molecular consequence: missense variant.
Genome position (GRCh38, 1-based): chr12:115,961,360, G>A on the plus strand (C>T on the coding strand, the complement: MED13L is on the minus strand). VCF-style: chr12-115961360-G-A. GRCh37 (hg19) VCF-style: chr12-116399165-G-A.
Other names: short protein forms T2180M.
Identifiers: ClinVar variation 1309724 (VCV001309724.2), dbSNP rs1875744082, ClinGen allele CA386872803.